The following is an entry in ClinVar:

NM_024408.4(NOTCH2):c.6924G>C (p.Gln2308His)

Gene: NOTCH2 (notch receptor 2; minus strand). Cytogenetic location: 1p12.
Variant type: single nucleotide variant.
Coding change: c.6924G>C on transcript NM_024408.4 (MANE Select); coding-DNA position 6924, G replaced by C.
Protein change: p.Gln2308His; replaces glutamine 2308 with histidine.
Molecular consequence: missense variant.
Genome position (GRCh38, 1-based): chr1:119,915,798, C>G on the plus strand (G>C on the coding strand, the complement: NOTCH2 is on the minus strand). VCF-style: chr1-119915798-C-G. GRCh37 (hg19) VCF-style: chr1-120458421-C-G.
Other names: short protein forms Q2308H.
Identifiers: ClinVar variation 1805583 (VCV001805583.1), dbSNP rs376191548, ClinGen allele CA1039353.

ClinVar aggregate classification (germline): Uncertain significance (1 of 4 stars; one submission).

Conditions:
Hajdu-Cheney syndrome (HJCYS). Also called: ACROOSTEOLYSIS WITH OSTEOPOROSIS AND CHANGES IN SKULL AND MANDIBLE; SERPENTINE FIBULA-POLYCYSTIC KIDNEY SYNDROME; Acroosteolysis dominant type. Identifiers: Orphanet 955, MedGen C0917715, MONDO:0007057, OMIM 102500.

gnomAD v4.1: 1 of 1,612,586 alleles (0.000062%); highest among the groups gnomAD compares: South Asian, 0.0011%; no homozygotes.

Submission:

Victorian Clinical Genetics Services, Murdoch Childrens Research Institute
Classification: Uncertain significance for Hajdu-Cheney syndrome. Last evaluated: 2020-05-21. Review status: criteria provided, single submitter. Criteria: ACMG Guidelines, 2015. Collection method: clinical testing. Allele origin: germline. Inheritance: Autosomal dominant inheritance. Affected: yes.
Comment: Based on the classification scheme VCGS_Germline_v1.1.0, this variant is classified as 3B. Following criteria are met: 0103 - Both loss- and gain-of-function are known mechanism of disease for this gene. (N) 0107 - This gene is known to be associated with autosomal dominant disease. (N) 0200 - Variant is predicted to result in a missense amino acid change from glutamine to histidine. (exon 34) (N) 0251 - Variant is heterozygous. (N) 0302 - Variant is present in gnomAD <0.001 for dominant condition (1 Heterozygous, 0 Homozygous). (P) 0309 - An alternative amino acid change at the same position has been observed in gnomAD (1 Heterozygous, 0 Homozygous). 0502 - Missense variant with conflicting in-silico predictions and/or uninformative conservation (PolyPhen2, PROVEAN, MutationAssessor, FATHMM, UCSC) (N) 0705 - No comparable variants have previous evidence for pathogenicity. (N) 0807 - Variant has not previously been reported in a clinical context. (N) 0905 - No segregation evidence has been identified for this variant. (N) 1007 - No published functional evidence has been identified for this variant. (N) 1208 - Inheritance information for this variant is not currently available. (N) Legend: (P) - Pathogenic, (N) - Neutral, (B) - Benign